The following is an entry in ClinVar:

NM_001244926.2(PRPF4):c.1389C>G (p.Phe463Leu)

Gene: PRPF4 (pre-mRNA splicing tri-snRNP complex factor PRPF4; plus strand). Cytogenetic location: 9q32.
Variant type: single nucleotide variant.
Coding change: c.1389C>G on transcript NM_001244926.2 (MANE Select); coding-DNA position 1389, C replaced by G.
Protein change: p.Phe463Leu; replaces phenylalanine 463 with leucine.
Molecular consequence: missense variant. On other transcripts: non-coding transcript variant (2).
Genome position (GRCh38, 1-based): chr9:113,291,483, C>G. VCF-style: chr9-113291483-C-G. GRCh37 (hg19) VCF-style: chr9-116053763-C-G.
Other names: c.663C>G, p.Phe221Leu (NM_001322266.2, NM_001322267.2); c.1392C>G, p.Phe464Leu (NM_004697.5); short protein forms F463L, F221L, F464L.
Identifiers: ClinVar variation 2163775 (VCV002163775.5), dbSNP rs370712632, ClinGen allele CA5195180.

ClinVar aggregate classification (germline): Uncertain significance. Review status: criteria provided, multiple submitters, no conflicts (2 of 4 stars). 2 submissions from 2 submitters: Uncertain significance (2). Last evaluated 2025-06-06.

Allele frequency attached by ClinVar (database versions not stated): gnomAD exomes 0.00001; TOPMed 0.00001; ExAC 0.00002; ESP Exome Variant Server 0.00008.
gnomAD v4.1: 12 of 1,613,620 alleles (0.00074%); highest among the groups gnomAD compares: Admixed American, 0.005%; no homozygotes.

Submissions (2):

Labcorp Genetics (formerly Invitae), Labcorp
Classification: Uncertain significance. Last evaluated: 2025-06-06. Review status: criteria provided, single submitter. Criteria: Invitae Variant Classification Sherloc (09022015). Collection method: clinical testing. Allele origin: germline.
Comment: This sequence change replaces phenylalanine, which is neutral and non-polar, with leucine, which is neutral and non-polar, at codon 464 of the PRPF4 protein (p.Phe464Leu). This variant is present in population databases (rs370712632, gnomAD 0.006%). This variant has not been reported in the literature in individuals affected with PRPF4-related conditions. ClinVar contains an entry for this variant (Variation ID: 2163775). An algorithm developed to predict the effect of missense changes on protein structure and function (PolyPhen-2) suggests that this variant is likely to be tolerated. In summary, the available evidence is currently insufficient to determine the role of this variant in disease. Therefore, it has been classified as a Variant of Uncertain Significance.

Blueprint Genetics
Classification: Uncertain significance. Last evaluated: 2021-07-09. Review status: criteria provided, single submitter. Criteria: ACMG Guidelines, 2015. Collection method: clinical testing. Allele origin: germline.